The following is an entry in ClinVar:

NM_000284.4(PDHA1):c.1063G>A (p.Ala355Thr)

Gene: PDHA1 (pyruvate dehydrogenase E1 subunit alpha 1; plus strand). Cytogenetic location: Xp22.12.
Variant type: single nucleotide variant.
Coding change: c.1063G>A on transcript NM_000284.4 (MANE Select); coding-DNA position 1063, G replaced by A.
Protein change: p.Ala355Thr; replaces alanine 355 with threonine.
Molecular consequence: missense variant.
Genome position (GRCh38, 1-based): chrX:19,359,543, G>A. VCF-style: chrX-19359543-G-A. GRCh37 (hg19) VCF-style: chrX-19377661-G-A.
Other names: c.1177G>A, p.Ala393Thr (NM_001173454.2); c.1084G>A, p.Ala362Thr (NM_001173455.2); c.970G>A, p.Ala324Thr (NM_001173456.2); short protein forms A324T, A355T, A362T, A393T.
Identifiers: ClinVar variation 1307632 (VCV001307632.2), dbSNP rs886878369, ClinGen allele CA412396598.

ClinVar aggregate classification (germline): Uncertain significance (1 of 4 stars; one submission).

Submission:

GeneDx
Classification: Uncertain significance. Last evaluated: 2019-08-09. Review status: criteria provided, single submitter. Criteria: GeneDx Variant Classification Process June 2021. Collection method: clinical testing. Allele origin: germline. Affected: yes.
Comment: Has not been previously published as pathogenic or benign to our knowledge; The majority of missense variants in this gene are considered pathogenic (Stenson et al., 2014); Not observed in large population cohorts (Lek et al., 2016); In silico analysis, which includes protein predictors and evolutionary conservation, supports that this variant does not alter protein structure/function